The following is an entry in ClinVar:

NM_001367624.2(ZNF469):c.1864G>A (p.Glu622Lys)

Gene: ZNF469 (zinc finger protein 469; plus strand). Cytogenetic location: 16q24.2.
Variant type: single nucleotide variant.
Coding change: c.1864G>A on transcript NM_001367624.2 (MANE Select); coding-DNA position 1864, G replaced by A.
Protein change: p.Glu622Lys; replaces glutamic acid 622 with lysine.
Molecular consequence: missense variant.
Genome position (GRCh38, 1-based): chr16:88,429,334, G>A. VCF-style: chr16-88429334-G-A. GRCh37 (hg19) VCF-style: chr16-88495742-G-A.
Other names: short protein forms E622K.
Identifiers: ClinVar variation 4687533 (VCV004687533.1).
Genomic context (GRCh38, chr16:88,429,334, plus strand): 5'-GGCAGCACCTGCTCTTCCCTGTCGCCGATGTCCAGCAGCCCAGCCAACCCCAGCTCAGAG[G>A]AAAGCCAGCTCCCCGGCCCCCTCGGGCCCTCGGCCTTCTTCCACCCACCCACTCACCCCC-3'
Protein context (NP_001354553.1, residues 612-632): SSSPANPSSE[Glu622Lys]SQLPGPLGPS

ClinVar aggregate classification (germline): Uncertain significance (1 of 4 stars; one submission).

gnomAD v4.1: 3 of 1,549,934 alleles (0.00019%); highest among the groups gnomAD compares: South Asian, 0.0012%; no homozygotes.

Submission:

Women's Health and Genetics/Laboratory Corporation of America, LabCorp
Classification: Uncertain significance. Last evaluated: 2025-10-06. Review status: criteria provided, single submitter. Criteria: LabCorp Variant Classification Summary - May 2015. Collection method: clinical testing. Allele origin: germline.
Comment: Variant summary: ZNF469 c.1864G>A (p.Glu622Lys) results in a conservative amino acid change in the encoded protein sequence. Algorithms developed to predict the effect of missense changes on protein structure and function are either unavailable or do not agree on the potential impact of this missense change. The variant allele was found at a frequency of 6.7e-06 in 148978 control chromosomes. The available data on variant occurrences in the general population are insufficient to allow any conclusion about variant significance. To our knowledge, no occurrence of c.1864G>A in individuals affected with ZNF469-related conditions and no experimental evidence demonstrating its impact on protein function have been reported. No submitters have cited clinical-significance assessments for this variant to ClinVar. Based on the evidence outlined above, the variant was classified as uncertain significance.